The following is an entry in ClinVar:

NM_004999.4(MYO6):c.*1738A>G

Gene: MYO6 (myosin VI; plus strand). Cytogenetic location: 6q14.1.
Variant type: single nucleotide variant.
Coding change: c.*1738A>G on transcript NM_004999.4 (MANE Select); 1738 bases downstream of the stop codon, A replaced by G.
Molecular consequence: 3 prime UTR variant. On other transcripts: non-coding transcript variant (1).
Genome position (GRCh38, 1-based): chr6:75,916,750, A>G. VCF-style: chr6-75916750-A-G. GRCh37 (hg19) VCF-style: chr6-76626467-A-G.
Other names: c.*1738A>G (NM_001300899.2, NM_001368136.1, NM_001368137.1 and 3 more transcripts).
Identifiers: ClinVar variation 358021 (VCV000358021.5), dbSNP rs193019967, ClinGen allele CA10622712.

ClinVar aggregate classification (germline): Conflicting classifications of pathogenicity. Review status: criteria provided, conflicting classifications (1 of 4 stars). 2 submissions from 1 submitter: Uncertain significance (1); Likely benign (1). Last evaluated 2018-01-13.

Conditions:
Autosomal recessive nonsyndromic hearing loss 37. Identifiers: Orphanet 90636, MedGen C1843028, MONDO:0011912, OMIM 607821.
Autosomal dominant nonsyndromic hearing loss 22. Also called: Autosomal dominant nonsyndromic deafness 22; DFNA 22. Identifiers: Orphanet 228012, MedGen C2931767, MONDO:0011660, OMIM 606346.

Allele frequency attached by ClinVar (database versions not stated): gnomAD 0.00028 and 0.00032; TOPMed 0.00045; 1000 Genomes Project 0.00060; 1000 Genomes Project 30x 0.00062.

Submissions (2):

Illumina Laboratory Services, Illumina
Classification: Likely benign for Autosomal dominant nonsyndromic hearing loss 22. Last evaluated: 2018-01-13. Review status: criteria provided, single submitter. Criteria: ICSL Variant Classification Criteria 13 December 2019. Collection method: clinical testing. Allele origin: germline.
Comment: This variant was observed in the ICSL laboratory as part of a predisposition screen in an ostensibly healthy population. It had not been previously curated by ICSL or reported in the Human Gene Mutation Database (HGMD: prior to June 1st, 2018), and was therefore a candidate for classification through an automated scoring system. Utilizing variant allele frequency, disease prevalence and penetrance estimates, and inheritance mode, an automated score was calculated to assess if this variant is too frequent to cause the disease. Based on the score and internal cut-off values, a variant classified as likely benign is not then subjected to further curation. The score for this variant resulted in a classification of likely benign for this disease.

Illumina Laboratory Services, Illumina
Classification: Uncertain significance for Autosomal recessive nonsyndromic hearing loss 37. Last evaluated: 2018-01-13. Review status: criteria provided, single submitter. Criteria: ICSL Variant Classification Criteria 13 December 2019. Collection method: clinical testing. Allele origin: germline.